The following is an entry in ClinVar:

NM_004855.5(PIGB):c.1123+4A>G

Gene: PIGB (phosphatidylinositol glycan anchor biosynthesis class B; plus strand). Cytogenetic location: 15q21.3.
Variant type: single nucleotide variant.
Coding change: c.1123+4A>G on transcript NM_004855.5 (MANE Select); 4 bases into the intron after coding-DNA position 1123, A replaced by G.
Molecular consequence: intron variant.
Genome position (GRCh38, 1-based): chr15:55,341,806, A>G. VCF-style: chr15-55341806-A-G. GRCh37 (hg19) VCF-style: chr15-55634004-A-G.
Identifiers: ClinVar variation 1956887 (VCV001956887.5), dbSNP rs571204083, ClinGen allele CA270785497.

ClinVar aggregate classification (germline): Uncertain significance (1 of 4 stars; one submission).

Allele frequency attached by ClinVar (database versions not stated): gnomAD exomes below 0.00001.
gnomAD v4.1: 3 of 1,373,402 alleles (0.00022%); highest among the groups gnomAD compares: Non-Finnish European, 0.000097%; no homozygotes.

Submission:

Labcorp Genetics (formerly Invitae), Labcorp
Classification: Uncertain significance. Last evaluated: 2022-09-01. Review status: criteria provided, single submitter. Criteria: Invitae Variant Classification Sherloc (09022015). Collection method: clinical testing. Allele origin: germline.
Comment: In summary, the available evidence is currently insufficient to determine the role of this variant in disease. Therefore, it has been classified as a Variant of Uncertain Significance. Variants that disrupt the consensus splice site are a relatively common cause of aberrant splicing (PMID: 17576681, 9536098). Algorithms developed to predict the effect of sequence changes on RNA splicing suggest that this variant may disrupt the consensus splice site. This variant has not been reported in the literature in individuals affected with PIGB-related conditions. This variant is not present in population databases (gnomAD no frequency). This sequence change falls in intron 9 of the PIGB gene. It does not directly change the encoded amino acid sequence of the PIGB protein. It affects a nucleotide within the consensus splice site.

Literature cited by the submitters: PubMed 17576681; PubMed 9536098.